The following is an entry in ClinVar:

ClinVar aggregate classification (germline): Likely pathogenic (1 of 4 stars; one submission).

Submission:

GeneDx
Classification: Likely pathogenic. Last evaluated: 2025-02-11. Review status: criteria provided, single submitter. Criteria: GeneDx Variant Classification Process June 2021. Collection method: clinical testing. Allele origin: germline. Affected: yes.
Comment: Not observed at significant frequency in large population cohorts (gnomAD); In silico analysis supports that this missense variant has a deleterious effect on protein structure/function; Has not been previously published as pathogenic or benign to our knowledge

NM_022455.5(NSD1):c.5552A>C (p.Gln1851Pro)

Gene: NSD1 (nuclear receptor binding SET domain protein 1; plus strand). Cytogenetic location: 5q35.3.
Variant type: single nucleotide variant.
Coding change: c.5552A>C on transcript NM_022455.5 (MANE Select); coding-DNA position 5552, A replaced by C.
Protein change: p.Gln1851Pro; replaces glutamine 1851 with proline.
Molecular consequence: missense variant.
Genome position (GRCh38, 1-based): chr5:177,273,714, A>C. VCF-style: chr5-177273714-A-C. GRCh37 (hg19) VCF-style: chr5-176700715-A-C.
Other names: c.4679A>C, p.Gln1560Pro (NM_001365684.2, NM_001409308.1, NM_001409309.1 and 1 more transcripts); c.5552A>C, p.Gln1851Pro (NM_001409301.1, NM_001409302.1, NM_001409303.1); c.5132A>C, p.Gln1711Pro (NM_001409304.1); c.4799A>C, p.Gln1600Pro (NM_001409305.1); c.4790A>C, p.Gln1597Pro (NM_001409306.1, NM_001409307.1); short protein forms Q1582P, Q1851P, Q1600P, Q1597P, Q1560P, Q1711P.
Identifiers: ClinVar variation 1197416 (VCV001197416.4), dbSNP rs2127241876, ClinGen allele CA362308634.
Genomic context (GRCh38, chr5:177,273,714, plus strand): 5'-TGCTGTCTGTTTTCATAGCTCTTCAGGAAGCTGCAGCAAGGTTTGAGGAATTAAAGGCCC[A>C]AAAAGAGCTAAGACAGCTGCAGGAAGACCGAAAGAATGACAAGAAGCCACCACCTTATAA-3'
Protein context (NP_071900.2, residues 1841-1861): AAARFEELKA[Gln1851Pro]KELRQLQEDR